The following is an entry in ClinVar:

NM_182961.4(SYNE1):c.12889G>A (p.Asp4297Asn)

Gene: SYNE1 (spectrin repeat containing nuclear envelope protein 1; minus strand). Cytogenetic location: 6q25.2.
Variant type: single nucleotide variant.
Coding change: c.12889G>A on transcript NM_182961.4 (MANE Select); coding-DNA position 12889, G replaced by A.
Protein change: p.Asp4297Asn; replaces aspartic acid 4297 with asparagine.
Molecular consequence: missense variant.
Genome position (GRCh38, 1-based): chr6:152,331,796, C>T on the plus strand (G>A on the coding strand, the complement: SYNE1 is on the minus strand). VCF-style: chr6-152331796-C-T. GRCh37 (hg19) VCF-style: chr6-152652931-C-T.
Other names: c.12676G>A, p.Asp4226Asn (NM_033071.5); short protein forms D4226N, D4297N.
Identifiers: ClinVar variation 946200 (VCV000946200.8), dbSNP rs757271177, ClinGen allele CA4056295.

ClinVar aggregate classification (germline): Uncertain significance (1 of 4 stars; one submission).

Conditions:
Emery-Dreifuss muscular dystrophy 4, autosomal dominant (EDMD4). Also called: EMERY-DREIFUSS MUSCULAR DYSTROPHY 4 WITH VARIABLE FEATURES. Identifiers: Orphanet 261, MedGen C2751807, MONDO:0013071, OMIM 612998.
Autosomal recessive ataxia, Beauce type. Also called: Spinocerebellar ataxia, autosomal recessive 8; ATAXIA, RECESSIVE, OF BEAUCE; SYNE1-Related Autosomal Recessive Cerebellar Ataxia; SYNE1 Deficiency. Identifiers: Orphanet 88644, MedGen C1853116, MONDO:0012549, OMIM 610743.

Allele frequency attached by ClinVar (database versions not stated): gnomAD exomes below 0.00001; TOPMed below 0.00001; ExAC 0.00001; gnomAD 0.00001.
gnomAD v4.1: 2 of 1,614,068 alleles (0.00012%); highest among the groups gnomAD compares: African/African-American, 0.0027%; no homozygotes.

Submission:

Labcorp Genetics (formerly Invitae), Labcorp
Classification: Uncertain significance for Emery-Dreifuss muscular dystrophy 4, autosomal dominant; Autosomal recessive ataxia, Beauce type. Last evaluated: 2022-02-10. Review status: criteria provided, single submitter. Criteria: Invitae Variant Classification Sherloc (09022015). Collection method: clinical testing. Allele origin: germline.
Comment: This sequence change replaces aspartic acid, which is acidic and polar, with asparagine, which is neutral and polar, at codon 4226 of the SYNE1 protein (p.Asp4226Asn). This variant is present in population databases (rs757271177, gnomAD 0.007%). In summary, the available evidence is currently insufficient to determine the role of this variant in disease. Therefore, it has been classified as a Variant of Uncertain Significance. Algorithms developed to predict the effect of missense changes on protein structure and function are either unavailable or do not agree on the potential impact of this missense change (SIFT: "Deleterious"; PolyPhen-2: "Benign"; Align-GVGD: "Class C0"). ClinVar contains an entry for this variant (Variation ID: 946200). This variant has not been reported in the literature in individuals affected with SYNE1-related conditions.